The following is an entry in ClinVar:

NM_000037.4(ANK1):c.2296-2A>C

Gene: ANK1 (ankyrin 1; minus strand). Cytogenetic location: 8p11.21.
Variant type: single nucleotide variant.
Coding change: c.2296-2A>C on transcript NM_000037.4 (MANE Select); the canonical splice acceptor site of the intron before coding-DNA position 2296, A replaced by C.
Molecular consequence: splice acceptor variant.
Genome position (GRCh38, 1-based): chr8:41,702,146, T>G on the plus strand (A>C on the coding strand, the complement: ANK1 is on the minus strand). VCF-style: chr8-41702146-T-G. GRCh37 (hg19) VCF-style: chr8-41559664-T-G.
Other names: c.2395-2A>C (NM_001142446.2); c.2296-2A>C (NM_020477.3, NM_020475.3, NM_020476.3).
Identifiers: ClinVar variation 2428703 (VCV002428703.3), dbSNP rs2486823536, ClinGen allele CA371065544.

ClinVar aggregate classification (germline): Likely pathogenic (1 of 4 stars; one submission).

Conditions:
Hereditary spherocytosis type 1. Also called: Spherocytosis type 1; ANK1-Related Spherocytosis. Identifiers: Orphanet 822, MedGen C2674218, MONDO:0008447, OMIM 182900.

Submission:

ARUP Laboratories, Molecular Genetics and Genomics, ARUP Laboratories
Classification: Likely pathogenic for Hereditary spherocytosis type 1. Last evaluated: 2022-03-04. Review status: criteria provided, single submitter. Criteria: ARUP Molecular Germline Variant Investigation Process 2021. Collection method: clinical testing. Allele origin: germline.
Comment: The ANK1 c.2296-2A>C variant, to our knowledge, is not reported in the medical literature or gene specific databases. This variant is also absent from general population databases (Exome Variant Server, Genome Aggregation Database), indicating it is not a common polymorphism. This variant disrupts the canonical splice acceptor site of intron 20, which is likely to negatively impact gene function. Based on available information, this variant is considered to be likely pathogenic.